The following is an entry in ClinVar:

ClinVar aggregate classification (germline): Uncertain significance (1 of 4 stars; one submission).

Conditions:
Atypical hemolytic-uremic syndrome. Identifiers: Orphanet 2134, MedGen C2931788, MONDO:0016244.

Submission:

Genomenon, Inc
Classification: Uncertain significance for Atypical hemolytic-uremic syndrome. Last evaluated: 2025-10-02. Review status: criteria provided, single submitter. Criteria: Genomenon Sequence Variant Interpretation Standards. Collection method: curation. Allele origin: germline. Affected: no.
Comment: CD46 p.Pro73Ala (c.217C>G) is a missense variant that changes the amino acid at residue 73 from Proline to Alanine. This variant has been reported in the published literature (PMID:9268348;16014961). It is absent or not present at a significant frequency in gnomAD. In silico models agree that this variant is not damaging. In conclusion, we classify CD46 p.Pro73Ala (c.217C>G) as a variant of uncertain significance.

Literature cited by the submitters: PubMed 9268348; PubMed 16014961.

NM_172351.3(CD46):c.217C>G (p.Pro73Ala)

Gene: CD46 (CD46 molecule; plus strand). Cytogenetic location: 1q32.2.
Variant type: single nucleotide variant.
Coding change: c.217C>G on transcript NM_172351.3 (MANE Select); coding-DNA position 217, C replaced by G.
Protein change: p.Pro73Ala; replaces proline 73 with alanine.
Molecular consequence: missense variant.
Genome position (GRCh38, 1-based): chr1:207,757,133, C>G. VCF-style: chr1-207757133-C-G. GRCh37 (hg19) VCF-style: chr1-207930478-C-G.
Other names: c.217C>G, p.Pro73Ala (NM_002389.4, NM_153826.4, NM_172350.3 and 8 more transcripts); short protein forms P73A.
Identifiers: ClinVar variation 4291248 (VCV004291248.1).